The following is an entry in ClinVar:

NM_001384910.1(GUCA1A):c.236C>A (p.Ala79Glu)

Genes: GUCA1A (guanylate cyclase activator 1A; plus strand), GUCA1ANB-GUCA1A (GUCA1ANB-GUCA1A readthrough; plus strand). Cytogenetic location: 6p21.1.
Variant type: single nucleotide variant.
Coding change: c.236C>A on transcript NM_001384910.1 (MANE Select); coding-DNA position 236, C replaced by A.
Protein change: p.Ala79Glu; replaces alanine 79 with glutamic acid.
Molecular consequence: missense variant.
Genome position (GRCh38, 1-based): chr6:42,178,314, C>A. VCF-style: chr6-42178314-C-A. GRCh37 (hg19) VCF-style: chr6-42146052-C-A.
Other names: c.236C>A, p.Ala79Glu (NM_000409.5, NM_001319061.2, NM_001319062.2); short protein forms A79E.
Identifiers: ClinVar variation 1505461 (VCV001505461.8), dbSNP rs765247842, ClinGen allele CA3805329.
Genomic context (GRCh38, chr6:42,178,314, plus strand): 5'-TCACGGCGGCCGCGCCCCTCGCCCAGGACGGCTACATTGATTTCATGGAGTACGTGGCAG[C>A]GCTCAGCTTGGTCCTCAAGGGGAAGGTGGAACAGAAGCTCCGCTGGTACTTCAAGCTCTA-3'
Protein context (NP_001371839.1, residues 69-89): GYIDFMEYVA[Ala79Glu]LSLVLKGKVE

ClinVar aggregate classification (germline): Uncertain significance. Review status: criteria provided, multiple submitters, no conflicts (2 of 4 stars). 3 submissions from 3 submitters: Uncertain significance (3). Last evaluated 2025-10-01.

Conditions:
Inborn genetic diseases. Identifiers: MedGen C0950123, MeSH D030342.

Allele frequency attached by ClinVar (database versions not stated): gnomAD 0.00001; gnomAD exomes 0.00001; TOPMed 0.00001; ExAC 0.00002.
gnomAD v4.1: 14 of 1,614,034 alleles (0.00087%); highest among the groups gnomAD compares: South Asian, 0.0022%; no homozygotes.

Submissions (3):

Labcorp Genetics (formerly Invitae), Labcorp
Classification: Uncertain significance. Last evaluated: 2025-10-01. Review status: criteria provided, single submitter. Criteria: Invitae Variant Classification Sherloc (09022015). Collection method: clinical testing. Allele origin: germline.
Comment: This sequence change replaces alanine, which is neutral and non-polar, with glutamic acid, which is acidic and polar, at codon 79 of the GUCA1A protein (p.Ala79Glu). This variant is present in population databases (rs765247842, gnomAD 0.006%). This variant has not been reported in the literature in individuals affected with GUCA1A-related conditions. ClinVar contains an entry for this variant (Variation ID: 1505461). An algorithm developed to predict the effect of missense changes on protein structure and function (PolyPhen-2) suggests that this variant is likely to be disruptive. In summary, the available evidence is currently insufficient to determine the role of this variant in disease. Therefore, it has been classified as a Variant of Uncertain Significance.

Blueprint Genetics
Classification: Uncertain significance. Last evaluated: 2024-02-29. Review status: criteria provided, single submitter. Criteria: ACMG Guidelines, 2015. Collection method: clinical testing. Allele origin: germline.

Ambry Genetics
Classification: Uncertain significance for Inborn genetic diseases. Last evaluated: 2023-11-22. Review status: criteria provided, single submitter. Criteria: Ambry Variant Classification Scheme 2023. Collection method: clinical testing. Allele origin: germline.